The following is an entry in ClinVar:

NC_000002.12:g.(?_50528605)_(50623635_?)del

Genes: NRXN1 (neurexin 1; minus strand), LOC110121071 (VISTA enhancer hs1348; plus strand), LOC129388861 (MPRA-validated peak3699 silencer; plus strand). Cytogenetic location: 2p16.3.
Variant type: Deletion.
Identifiers: ClinVar variation 539896 (VCV000539896.3).

ClinVar aggregate classification (germline): Uncertain significance (1 of 4 stars; one submission).

Conditions:
Pitt-Hopkins-like syndrome 2 (PTHSL2). Identifiers: Orphanet 221150, Orphanet 600663, MedGen C3280479, MONDO:0013690, OMIM 614325.

Submission:

Labcorp Genetics (formerly Invitae), Labcorp
Classification: Uncertain significance for Pitt-Hopkins-like syndrome 2. Last evaluated: 2023-01-19. Review status: criteria provided, single submitter. Criteria: Invitae Variant Classification Sherloc (09022015). Collection method: clinical testing. Allele origin: germline.
Comment: In summary, the available evidence is currently insufficient to determine the role of this variant in disease. Therefore, it has been classified as a Variant of Uncertain Significance. Experimental studies and prediction algorithms are not available or were not evaluated, and the functional significance of this variant is currently unknown. This variant has not been reported in the literature in individuals affected with NRXN1-related conditions. This variant is a gross deletion of the genomic region encompassing exon(s) 7-13 of the NRXN1 gene. This variant would be expected to be in-frame, preserving the integrity of the reading frame.